The following is an entry in ClinVar:

NM_198578.4(LRRK2):c.7055C>T (p.Ser2352Phe)

Gene: LRRK2 (leucine rich repeat kinase 2; plus strand). Cytogenetic location: 12q12.
Variant type: single nucleotide variant.
Coding change: c.7055C>T on transcript NM_198578.4 (MANE Select); coding-DNA position 7055, C replaced by T.
Protein change: p.Ser2352Phe; replaces serine 2352 with phenylalanine.
Molecular consequence: missense variant.
Genome position (GRCh38, 1-based): chr12:40,363,428, C>T. VCF-style: chr12-40363428-C-T. GRCh37 (hg19) VCF-style: chr12-40757230-C-T.
Other names: short protein forms S2352F.
Identifiers: ClinVar variation 2587249 (VCV002587249.2), dbSNP rs2500026904, ClinGen allele CA384413172.

ClinVar aggregate classification (germline): Uncertain significance (1 of 4 stars; one submission).

Conditions:
Inborn genetic diseases. Identifiers: MedGen C0950123, MeSH D030342.

Submission:

Ambry Genetics
Classification: Uncertain significance for Inborn genetic diseases. Last evaluated: 2023-07-05. Review status: criteria provided, single submitter. Criteria: Ambry Variant Classification Scheme 2023. Collection method: clinical testing. Allele origin: germline.
Comment: The p.S2352F variant (also known as c.7055C>T), located in coding exon 48 of the LRRK2 gene, results from a C to T substitution at nucleotide position 7055. The serine at codon 2352 is replaced by phenylalanine, an amino acid with highly dissimilar properties. This amino acid position is conserved. In addition, this alteration is predicted to be tolerated by in silico analysis. Since supporting evidence is limited at this time, the clinical significance of this alteration remains unclear.